The following is an entry in ClinVar:

NM_000081.4(LYST):c.11196-88A>G

Gene: LYST (lysosomal trafficking regulator; minus strand). Cytogenetic location: 1q42.3.
Variant type: single nucleotide variant.
Coding change: c.11196-88A>G on transcript NM_000081.4 (MANE Select); 88 bases into the intron before coding-DNA position 11196, A replaced by G.
Molecular consequence: intron variant.
Genome position (GRCh38, 1-based): chr1:235,664,143, T>C on the plus strand (A>G on the coding strand, the complement: LYST is on the minus strand). VCF-style: chr1-235664143-T-C. GRCh37 (hg19) VCF-style: chr1-235827443-T-C.
Other names: c.11196-88A>G (NM_001301365.1).
Identifiers: ClinVar variation 1276755 (VCV001276755.4), dbSNP rs3819013, ClinGen allele CA39754855.

ClinVar aggregate classification (germline): Benign. Review status: criteria provided, multiple submitters, no conflicts (2 of 4 stars). 3 submissions from 3 submitters: Benign (3). Last evaluated 2023-11-12.

Allele frequency attached by ClinVar (database versions not stated): 1000 Genomes Project 0.24641; 1000 Genomes Project 30x 0.25078; TOPMed 0.38480; gnomAD 0.40387 and 0.41520; gnomAD exomes 0.44543.
gnomAD v4.1: 453,360 of 1,032,796 alleles (44%); highest among the groups gnomAD compares: Non-Finnish European, 52%; 110,604 homozygotes.

Submissions (3):

Unidad de Genómica Garrahan, Hospital de Pediatría Garrahan
Classification: Benign. Last evaluated: 2023-11-12. Review status: criteria provided, single submitter. Criteria: ACMG Guidelines, 2015. Collection method: clinical testing. Allele origin: germline. Affected: no. Observed: 35 variant alleles.
Comment: This variant is classified as Benign based on local population frequency. This variant was detected in 36% of patients studied by a panel of primary immunodeficiencies. Number of patients: 35. Only high quality variants are reported.

GeneDx
Classification: Benign. Last evaluated: 2018-07-15. Review status: criteria provided, single submitter. Criteria: GeneDx Variant Classification Process June 2021. Collection method: clinical testing. Allele origin: germline. Affected: yes.

Breakthrough Genomics
Classification: Benign. Review status: criteria provided, single submitter. Criteria: ACMG Guidelines, 2015. Collection method: not provided. Allele origin: germline. Inheritance: Autosomal recessive inheritance. Affected: yes.